The following is an entry in ClinVar:

ClinVar aggregate classification (germline): Uncertain significance (1 of 4 stars; one submission).

Conditions:
Charcot-Marie-Tooth disease type 2. Also called: Charcot-Marie-Tooth type 2. Identifiers: Orphanet 64746, MedGen C0270914, MONDO:0018993.

gnomAD v4.1: 2 of 1,611,448 alleles (0.00012%); highest among the groups gnomAD compares: Non-Finnish European, 0.00017%; no homozygotes.

Submission:

Labcorp Genetics (formerly Invitae), Labcorp
Classification: Uncertain significance for Charcot-Marie-Tooth disease type 2. Last evaluated: 2025-10-02. Review status: criteria provided, single submitter. Criteria: Invitae Variant Classification Sherloc (09022015). Collection method: clinical testing. Allele origin: germline.
Comment: This sequence change replaces alanine, which is neutral and non-polar, with glycine, which is neutral and non-polar, at codon 360 of the MED25 protein (p.Ala360Gly). This variant is not present in population databases (gnomAD no frequency). This variant has not been reported in the literature in individuals affected with MED25-related conditions. ClinVar contains an entry for this variant (Variation ID: 1383018). An algorithm developed to predict the effect of missense changes on protein structure and function (PolyPhen-2) suggests that this variant is likely to be tolerated. In summary, the available evidence is currently insufficient to determine the role of this variant in disease. Therefore, it has been classified as a Variant of Uncertain Significance.

NM_030973.4(MED25):c.1079C>G (p.Ala360Gly)

Gene: MED25 (mediator complex subunit 25; plus strand). Cytogenetic location: 19q13.33.
Variant type: single nucleotide variant.
Coding change: c.1079C>G on transcript NM_030973.4 (MANE Select); coding-DNA position 1079, C replaced by G.
Protein change: p.Ala360Gly; replaces alanine 360 with glycine.
Molecular consequence: missense variant.
Genome position (GRCh38, 1-based): chr19:49,830,865, C>G. VCF-style: chr19-49830865-C-G. GRCh37 (hg19) VCF-style: chr19-50334122-C-G.
Other names: c.1079C>G, p.Ala360Gly (NM_001378355.1); short protein forms A360G.
Identifiers: ClinVar variation 1383018 (VCV001383018.6), dbSNP rs2123880339, ClinGen allele CA406915434.
Genomic context (GRCh38, chr19:49,830,865, plus strand): 5'-CTGCTTCCCAGCCCAGTCTGGTCTCCACTGTGGCCCCTGGCTCCGGCCTGGCTCCCACGG[C>G]ACAGCCCGGGGCACCGTCCATGGTAGGTGCCTGCACGCCTCCTGCCCCTGCTCCTTCCTC-3'
Protein context (NP_112235.2, residues 350-370): VAPGSGLAPT[Ala360Gly]QPGAPSMAGT